The following is an entry in ClinVar:

ClinVar aggregate classification (germline): Pathogenic (1 of 4 stars; one submission).

Conditions:
Supravalvar aortic stenosis (SVAS). Also called: Supravalvar aortic stenosis, Eisenberg type. Identifiers: Orphanet 3193, MedGen C0003499, MONDO:0008504, OMIM 185500, HP:0004381.

Submission:

Labcorp Genetics (formerly Invitae), Labcorp
Classification: Pathogenic for Supravalvar aortic stenosis. Last evaluated: 2025-06-01. Review status: criteria provided, single submitter. Criteria: Invitae Variant Classification Sherloc (09022015). Collection method: clinical testing. Allele origin: germline.
Comment: This sequence change creates a premature translational stop signal (p.Ala50Profs*72) in the ELN gene. It is expected to result in an absent or disrupted protein product. Loss-of-function variants in ELN are known to be pathogenic (PMID: 11175284). This variant is not present in population databases (gnomAD no frequency). This variant has not been reported in the literature in individuals affected with ELN-related conditions. For these reasons, this variant has been classified as Pathogenic.

Literature cited by the submitters: PubMed 11175284.

NM_000501.4(ELN):c.148del (p.Ala50fs)

Gene: ELN (elastin; plus strand). Cytogenetic location: 7q11.23.
Variant type: Deletion.
Coding change: c.148del on transcript NM_000501.4 (MANE Select); coding-DNA position 148, one base deleted (G; older notation c.148delG).
Protein change: p.Ala50fs; shifts the reading frame from alanine 50.
Molecular consequence: frameshift variant. On other transcripts: intron variant (4).
Genome position (GRCh38, 1-based): chr7:74,036,569, G deleted. VCF-style (leftmost placement, unchanged base first): chr7-74036568-AG-A. GRCh37 (hg19) VCF-style: chr7-73450898-AG-A.
Other names: c.148del, p.Ala50fs (NM_001081753.3, NM_001081754.3, NM_001081755.3 and 5 more transcripts); c.134-1138del (NM_001278914.2, NM_001278917.2, NM_001081752.3 and 1 more transcripts); short protein forms A50fs.
Identifiers: ClinVar variation 4720568 (VCV004720568.1).